The following is an entry in ClinVar:

NM_000718.4(CACNA1B):c.5439GCA[1] (p.Gln1814del)

Gene: CACNA1B (calcium voltage-gated channel subunit alpha1 B; plus strand). Cytogenetic location: 9q34.3.
Variant type: Microsatellite.
Coding change: c.5439GCA[1] on transcript NM_000718.4 (MANE Select); one copy of the 3-base unit GCA starting at c.5439; the reference has two copies in a row; one copy, 3 bases deleted.
Protein change: p.Gln1814del; deletes glutamine 1814.
Molecular consequence: inframe deletion.
Genome position (GRCh38, 1-based): chr9:138,112,411-138,112,413, GCA deleted; deleting any 3 consecutive bases within chr9:138,112,407-138,112,413 gives the same sequence; the position shown is the placement nearest the transcript's 3' end. VCF-style (leftmost placement, unchanged base first): chr9-138112406-AAGC-A. GRCh37 (hg19) VCF-style: chr9-141006858-AAGC-A.
Other names: c.5439GCA[1], p.Gln1814del (NM_001243812.2); short protein forms Q1814del.
Identifiers: ClinVar variation 1943768 (VCV001943768.5), dbSNP rs2539590336, ClinGen allele CA2580615416.
Genomic context (GRCh38, chr9:138,112,406, plus strand): 5'-CTGCTCCTAACATCTCTGTCTTTTCCCCTTCCCCACCATCATCCTGGTGCAGCTGGGACA[AAGC>A]AGCATCAGTGTGACGCGGAGTTGAGGAAGGAGATTTCCGTTGTGTGGGCCAATCTGCCCC-3'

ClinVar aggregate classification (germline): Uncertain significance (1 of 4 stars; one submission).

Submission:

Labcorp Genetics (formerly Invitae), Labcorp
Classification: Uncertain significance. Last evaluated: 2022-05-31. Review status: criteria provided, single submitter. Criteria: Invitae Variant Classification Sherloc (09022015). Collection method: clinical testing. Allele origin: germline.
Comment: This variant, c.5442_5444del, results in the deletion of 1 amino acid(s) of the CACNA1B protein (p.Gln1814del), but otherwise preserves the integrity of the reading frame. This variant is not present in population databases (gnomAD no frequency). This variant has not been reported in the literature in individuals affected with CACNA1B-related conditions. Experimental studies and prediction algorithms are not available or were not evaluated, and the functional significance of this variant is currently unknown. In summary, the available evidence is currently insufficient to determine the role of this variant in disease. Therefore, it has been classified as a Variant of Uncertain Significance.